The following is an entry in ClinVar:

NM_006946.4(SPTBN2):c.3607A>G (p.Thr1203Ala)

Gene: SPTBN2 (spectrin beta, non-erythrocytic 2; minus strand). Cytogenetic location: 11q13.2.
Variant type: single nucleotide variant.
Coding change: c.3607A>G on transcript NM_006946.4 (MANE Select); coding-DNA position 3607, A replaced by G.
Protein change: p.Thr1203Ala; replaces threonine 1203 with alanine.
Molecular consequence: missense variant.
Genome position (GRCh38, 1-based): chr11:66,699,575, T>C on the plus strand (A>G on the coding strand, the complement: SPTBN2 is on the minus strand). VCF-style: chr11-66699575-T-C. GRCh37 (hg19) VCF-style: chr11-66467046-T-C.
Other names: short protein forms T1203A.
Identifiers: ClinVar variation 1314536 (VCV001314536.2), dbSNP rs1196577719, ClinGen allele CA381472616.
Genomic context (GRCh38, chr11:66,699,575, plus strand): 5'-CGTCCATGGTGCTCATGAAGTCCTCCAGTTTTTTAATGGCAGCATCAGCAGCCTGGAGTG[T>C]CCCTGGCATCTCCGTGTGAGACAGAACATATTCCTGTGTGGGAGGGATGACATTCAGCTC-3'
Protein context (NP_008877.2, residues 1193-1213): YVLSHTEMPG[Thr1203Ala]LQAADAAIKK

ClinVar aggregate classification (germline): Uncertain significance (1 of 4 stars; one submission).

Allele frequency attached by ClinVar (database versions not stated): gnomAD exomes below 0.00001 and 0.00001; gnomAD 0.00001; TOPMed 0.00001.

Submission:

GeneDx
Classification: Uncertain significance. Last evaluated: 2021-04-16. Review status: criteria provided, single submitter. Criteria: GeneDx Variant Classification Process June 2021. Collection method: clinical testing. Allele origin: germline. Affected: yes.
Comment: Not observed at a significant frequency in large population cohorts (Lek et al., 2016); In silico analysis supports that this missense variant has a deleterious effect on protein structure/function; Has not been previously published as pathogenic or benign to our knowledge